The following is an entry in ClinVar:

NM_001040113.2(MYH11):c.5834A>G (p.Gln1945Arg)

Genes: MYH11 (myosin heavy chain 11; minus strand), NDE1 (nudE neurodevelopment protein 1; plus strand). Cytogenetic location: 16p13.11.
Variant type: single nucleotide variant.
Coding change: c.5834A>G on transcript NM_001040113.2 (MANE Plus Clinical); coding-DNA position 5834, A replaced by G.
Protein change: p.Gln1945Arg; replaces glutamine 1945 with arginine.
Molecular consequence: missense variant. On other transcripts: intron variant (4).
Genome position (GRCh38, 1-based): chr16:15,708,815, T>C on the plus strand (A>G on the coding strand, the complement: MYH11 is on the minus strand). VCF-style: chr16-15708815-T-C. GRCh37 (hg19) VCF-style: chr16-15802672-T-C.
Other names: c.5813A>G, p.Gln1938Arg (NM_022844.3); c.947+11955T>C (NM_001143979.2, NM_017668.3); c.5787-4692A>G (NM_002474.3); c.5808-4692A>G (NM_001040114.2); short protein forms Q1938R, Q1945R.
Identifiers: ClinVar variation 4806700 (VCV004806700.1).
Genomic context (GRCh38, chr16:15,708,815, plus strand): 5'-AAATGGATACTGAGACAACACACAGCTGCGAAGCTGAAGGCATGATACCTGGTGCATCAC[T>C]GCGAAGTTTCCTGTGGGGGGGGCCCTCTGAAACAGAGAGAGAATCCCCGGAGGTTACCAT-3'
Protein context (NP_001035202.1, residues 1935-1945): LRGPPPQETS[Gln1945Arg]

ClinVar aggregate classification (germline): Uncertain significance (1 of 4 stars; one submission).

Conditions:
Aortic aneurysm, familial thoracic 4 (AAT4). Also called: AORTIC ANEURYSM/AORTIC DISSECTION AND PATENT DUCTUS ARTERIOSUS. Identifiers: MedGen C1851504, MONDO:0007568, OMIM 132900.

Submission:

Labcorp Genetics (formerly Invitae), Labcorp
Classification: Uncertain significance for Aortic aneurysm, familial thoracic 4. Last evaluated: 2025-05-12. Review status: criteria provided, single submitter. Criteria: Invitae Variant Classification Sherloc (09022015). Collection method: clinical testing. Allele origin: germline.
Comment: This sequence change replaces glutamine, which is neutral and polar, with arginine, which is basic and polar, at codon 1945 of the MYH11 protein (p.Gln1945Arg). This variant is not present in population databases (gnomAD no frequency). This variant has not been reported in the literature in individuals affected with MYH11-related conditions. An algorithm developed to predict the effect of missense changes on protein structure and function (PolyPhen-2) suggests that this variant is likely to be tolerated. In summary, the available evidence is currently insufficient to determine the role of this variant in disease. Therefore, it has been classified as a Variant of Uncertain Significance.